The following is an entry in ClinVar:

ClinVar aggregate classification (germline): Benign (0 of 4 stars; one submission).

Conditions:
CEP170B-related disorder. Also called: CEP170B-related condition.

Allele frequency attached by ClinVar (database versions not stated): TOPMed 0.00041; gnomAD 0.00044; gnomAD exomes 0.00044; ExAC 0.00088; 1000 Genomes Project 30x 0.00172; 1000 Genomes Project 0.00240.
gnomAD v4.1: 714 of 1,609,894 alleles (0.044%); highest among the groups gnomAD compares: East Asian, 1.1%; 5 homozygotes.

Submission:

PreventionGenetics, part of Exact Sciences
Classification: Benign for CEP170B-related condition. Last evaluated: 2019-06-26. Review status: no assertion criteria provided. Collection method: clinical testing. Allele origin: germline.
Comment: This variant is classified as benign based on ACMG/AMP sequence variant interpretation guidelines (Richards et al. 2015 PMID: 25741868, with internal and published modifications).

NM_001112726.3(CEP170B):c.2902A>C (p.Lys968Gln)

Gene: CEP170B (centrosomal protein 170B; plus strand). Cytogenetic location: 14q32.33.
Variant type: single nucleotide variant.
Coding change: c.2902A>C on transcript NM_001112726.3 (MANE Select); coding-DNA position 2902, A replaced by C.
Protein change: p.Lys968Gln; replaces lysine 968 with glutamine.
Molecular consequence: missense variant.
Genome position (GRCh38, 1-based): chr14:104,887,141, A>C. VCF-style: chr14-104887141-A-C. GRCh37 (hg19) VCF-style: chr14-105353478-A-C.
Other names: c.2692A>C, p.Lys898Gln (NM_015005.3); short protein forms K898Q, K968Q.
Identifiers: ClinVar variation 3044648 (VCV003044648.2), dbSNP rs201185891, ClinGen allele CA7375997.